The following is an entry in ClinVar:

ClinVar aggregate classification (germline): Uncertain significance (1 of 4 stars; one submission).

Conditions:
Hereditary cancer-predisposing syndrome. Also called: Neoplastic Syndromes, Hereditary; Tumor predisposition; Hereditary Cancer Syndrome; Hereditary neoplastic syndrome. Identifiers: Orphanet 140162, MedGen C0027672, MeSH D009386, MONDO:0015356.

Submission:

Ambry Genetics
Classification: Uncertain significance for Hereditary cancer-predisposing syndrome. Last evaluated: 2026-03-09. Review status: criteria provided, single submitter. Criteria: Ambry Variant Classification Scheme 2023. Collection method: clinical testing. Allele origin: germline.
Comment: The p.D80A variant (also known as c.239A>C), located in coding exon 1 of the FLCN gene, results from an A to C substitution at nucleotide position 239. The aspartic acid at codon 80 is replaced by alanine, an amino acid with dissimilar properties. This amino acid position is conserved. In addition, the in silico prediction for this alteration is inconclusive. Based on the available evidence, the clinical significance of this variant remains unclear.

NM_144997.7(FLCN):c.239A>C (p.Asp80Ala)

Gene: FLCN (folliculin; minus strand). Cytogenetic location: 17p11.2.
Variant type: single nucleotide variant.
Coding change: c.239A>C on transcript NM_144997.7 (MANE Select); coding-DNA position 239, A replaced by C.
Protein change: p.Asp80Ala; replaces aspartic acid 80 with alanine.
Molecular consequence: missense variant.
Genome position (GRCh38, 1-based): chr17:17,227,899, T>G on the plus strand (A>C on the coding strand, the complement: FLCN is on the minus strand). VCF-style: chr17-17227899-T-G. GRCh37 (hg19) VCF-style: chr17-17131213-T-G.
Other names: c.239A>C, p.Asp80Ala (NM_001353229.2, NM_001353230.2, NM_001353231.2 and 1 more transcripts); short protein forms D80A.
Identifiers: ClinVar variation 4827038 (VCV004827038.1).
Genomic context (GRCh38, chr17:17,227,899, plus strand): 5'-TCCCACACCTACTGCAGGGATCACAAAACCAAGACCCCAAAGACACTTGCCTCGCACATG[T>G]CCGACTTTTTGGGCCCCGGGCTGCTGGACTCGACGCTGGCCCCCTCTGCGGGGCTGTGCG-3'
Protein context (NP_659434.2, residues 70-90): ESSSPGPKKS[Asp80Ala]MCEGCRSLAA